The following is an entry in ClinVar:

ClinVar aggregate classification (germline): Uncertain significance (1 of 4 stars; one submission).

Conditions:
Familial cancer of breast. Also called: Hereditary breast cancer; hereditary breast carcinoma; BREAST CANCER, FAMILIAL. Identifiers: Orphanet 227535, MedGen C0346153, MONDO:0016419, OMIM 114480. Disease mechanism: loss of function.

Submission:

Labcorp Genetics (formerly Invitae), Labcorp
Classification: Uncertain significance for Familial cancer of breast. Last evaluated: 2020-10-09. Review status: criteria provided, single submitter. Criteria: Invitae Variant Classification Sherloc (09022015). Collection method: clinical testing. Allele origin: germline.
Comment: Algorithms developed to predict the effect of missense changes on protein structure and function output the following: SIFT: "Tolerated"; PolyPhen-2: "Benign"; Align-GVGD: "Class C0". The threonine amino acid residue is found in multiple mammalian species, suggesting that this missense change does not adversely affect protein function. These predictions have not been confirmed by published functional studies and their clinical significance is uncertain. This variant has not been reported in the literature in individuals with CHEK2-related conditions. This variant is not present in population databases (ExAC no frequency). This sequence change replaces alanine with threonine at codon 513 of the CHEK2 protein (p.Ala513Thr). The alanine residue is moderately conserved and there is a small physicochemical difference between alanine and threonine. In summary, the available evidence is currently insufficient to determine the role of this variant in disease. Therefore, it has been classified as a Variant of Uncertain Significance.

NM_007194.4(CHEK2):c.1537G>A (p.Ala513Thr)

Gene: CHEK2 (checkpoint kinase 2; minus strand). Cytogenetic location: 22q12.1.
Variant type: single nucleotide variant.
Coding change: c.1537G>A on transcript NM_007194.4 (MANE Select); coding-DNA position 1537, G replaced by A.
Protein change: p.Ala513Thr; replaces alanine 513 with threonine.
Molecular consequence: missense variant.
Genome position (GRCh38, 1-based): chr22:28,689,140, C>T on the plus strand (G>A on the coding strand, the complement: CHEK2 is on the minus strand). VCF-style: chr22-28689140-C-T. GRCh37 (hg19) VCF-style: chr22-29085128-C-T.
Other names: c.1666G>A, p.Ala556Thr (NM_001005735.3); c.874G>A, p.Ala292Thr (NM_001257387.3); c.1336G>A, p.Ala446Thr (NM_001349956.3); c.1450G>A, p.Ala484Thr (NM_145862.3); short protein forms A292T, A446T, A484T, A513T, A556T.
Identifiers: ClinVar variation 1000109 (VCV001000109.9), dbSNP rs2052240121, ClinGen allele CA411092307.